The following is an entry in ClinVar:

ClinVar aggregate classification (germline): Pathogenic (1 of 4 stars; one submission).

Conditions:
Ehlers-Danlos syndrome due to tenascin-X deficiency (EDSCLL1). Also called: EDS DUE TO TNX DEFICIENCY; TNX DEFICIENCY; Ehlers-Danlos syndrome, classic-like, 1; EHLERS-DANLOS SYNDROME, CLASSIC-LIKE; TNXB-Related Classical-Like Ehlers-Danlos Syndrome. Identifiers: Orphanet 230839, MedGen C1848029, MONDO:0011670, OMIM 606408.

Submission:

Myriad Genetics, Inc.
Classification: Pathogenic for Ehlers-Danlos syndrome due to tenascin-X deficiency. Last evaluated: 2026-02-25. Review status: criteria provided, single submitter. Criteria: Myriad Autosomal Dominant, Autosomal Recessive and X-Linked Classification Criteria (2023). Collection method: clinical testing. Allele origin: unknown.
Comment: NM_019105.6(TNXB):c.10489C>T(Q3497*) is expected to be pathogenic in the context of classical-like Ehlers-Danlos syndrome, TNXB-related. This variant is predicted to lead to an abnormal or absent protein product due to the creation of a premature termination codon in TNXB, a gene where loss-of-function variants are known to be pathogenic. Please note: this variant was assessed in the context of healthy population screening.

NM_001365276.2(TNXB):c.10495C>T (p.Gln3499Ter)

Gene: TNXB (tenascin XB; minus strand). Cytogenetic location: 6p21.33.
Variant type: single nucleotide variant.
Coding change: c.10495C>T on transcript NM_001365276.2 (MANE Select); coding-DNA position 10495, C replaced by T.
Protein change: p.Gln3499Ter; replaces glutamine 3499 with a stop codon.
Molecular consequence: nonsense.
Genome position (GRCh38, 1-based): chr6:32,046,286, G>A on the plus strand (C>T on the coding strand, the complement: TNXB is on the minus strand). VCF-style: chr6-32046286-G-A. GRCh37 (hg19) VCF-style: chr6-32014063-G-A.
Other names: c.11236C>T, p.Gln3746Ter (NM_001428335.1); c.10489C>T, p.Gln3497Ter (NM_019105.8); short protein forms Q3497*, Q3499*, Q3746*.
Identifiers: ClinVar variation 5015604 (VCV005015604.1).